The following is an entry in ClinVar:

NM_006363.6(SEC23B):c.1909G>T (p.Val637Leu)

Gene: SEC23B (SEC23 homolog B, COPII component; plus strand). Cytogenetic location: 20p11.23.
Variant type: single nucleotide variant.
Coding change: c.1909G>T on transcript NM_006363.6 (MANE Select); coding-DNA position 1909, G replaced by T.
Protein change: p.Val637Leu; replaces valine 637 with leucine.
Molecular consequence: missense variant.
Genome position (GRCh38, 1-based): chr20:18,551,092, G>T. VCF-style: chr20-18551092-G-T. GRCh37 (hg19) VCF-style: chr20-18531736-G-T.
Other names: c.1909G>T, p.Val637Leu (NM_001172745.3, NM_032985.6, NM_032986.5); c.1855G>T, p.Val619Leu (NM_001172746.3); short protein forms V619L, V637L.
Identifiers: ClinVar variation 4997723 (VCV004997723.1).

ClinVar aggregate classification (germline): Uncertain significance (1 of 4 stars; one submission).

Conditions:
SEC23B-related disorder. Also called: SEC23B-related disorders; SEC23B-related condition.

gnomAD v4.1: 1 of 1,601,064 alleles (0.000062%); highest among the groups gnomAD compares: Non-Finnish European, 0.000085%; no homozygotes.

Submission:

PreventionGenetics, part of Exact Sciences
Classification: Uncertain significance for SEC23B-related condition. Last evaluated: 2024-10-16. Review status: criteria provided, single submitter. Criteria: ACMG Guidelines, 2015. Collection method: clinical testing. Allele origin: germline.
Comment: The SEC23B c.1909G>T variant is predicted to result in the amino acid substitution p.Val637Leu. To our knowledge, this variant has not been reported in the literature or in a large population database (gnomAD), indicating this variant is rare. At this time, the clinical significance of this variant is uncertain due to the absence of conclusive functional and genetic evidence.